The following is an entry in ClinVar:

NM_015512.5(DNAH1):c.3090G>A (p.Ala1030=)

Gene: DNAH1 (dynein axonemal heavy chain 1; plus strand). Cytogenetic location: 3p21.1.
Variant type: single nucleotide variant.
Coding change: c.3090G>A on transcript NM_015512.5 (MANE Select); coding-DNA position 3090, G replaced by A.
Protein change: p.Ala1030=; no amino-acid change (alanine 1030 retained).
Molecular consequence: synonymous variant.
Genome position (GRCh38, 1-based): chr3:52,353,165, G>A. VCF-style: chr3-52353165-G-A. GRCh37 (hg19) VCF-style: chr3-52387181-G-A.
Other names: p.Ala1030=.
Identifiers: ClinVar variation 478437 (VCV000478437.19), dbSNP rs140275399, ClinGen allele CA2433476.

ClinVar aggregate classification (germline): Benign/Likely benign. Review status: criteria provided, multiple submitters, no conflicts (2 of 4 stars). 5 submissions from 5 submitters: Benign (2); Likely benign (3). Last evaluated 2026-01-27.

Conditions:
Spermatogenic failure 18. Identifiers: MedGen C4539783, MONDO:0054615, OMIM 617576.
Ciliary dyskinesia, primary, 37 (CILD37). Also called: CILIARY DYSKINESIA, PRIMARY, 37, WITH OR WITHOUT SITUS INVERSUS. Identifiers: MedGen C4539798, MONDO:0033204, OMIM 617577.

Allele frequency attached by ClinVar (database versions not stated): ESP Exome Variant Server 0.00325; gnomAD 0.00355 and 0.00439; TOPMed 0.00374; gnomAD exomes 0.00648; ExAC 0.00686; 1000 Genomes Project 30x 0.00796; 1000 Genomes Project 0.00899.
gnomAD v4.1: 9,805 of 1,614,012 alleles (0.61%); highest among the groups gnomAD compares: South Asian, 2.3%; 77 homozygotes.

Submissions (5):

Labcorp Genetics (formerly Invitae), Labcorp
Classification: Benign for Ciliary dyskinesia, primary, 37; Spermatogenic failure 18. Last evaluated: 2026-01-27. Review status: criteria provided, single submitter. Criteria: Invitae Variant Classification Sherloc (09022015). Collection method: clinical testing. Allele origin: germline.

ARUP Laboratories, Molecular Genetics and Genomics, ARUP Laboratories
Classification: Benign. Last evaluated: 2025-06-24. Review status: criteria provided, single submitter. Criteria: ARUP Molecular Germline Variant Investigation Process 2024. Collection method: clinical testing. Allele origin: germline.

Mayo Clinic Laboratories, Mayo Clinic
Classification: Likely benign. Last evaluated: 2024-12-03. Review status: criteria provided, single submitter. Criteria: ACMG Guidelines, 2015. Collection method: clinical testing. Allele origin: germline. Observed: 4 variant alleles.
Comment: BS1, BS2_supporting, BP4, BP7

GeneDx
Classification: Likely benign. Last evaluated: 2018-07-09. Review status: criteria provided, single submitter. Criteria: GeneDx Variant Classification Process June 2021. Collection method: clinical testing. Allele origin: germline. Affected: yes.

Breakthrough Genomics
Classification: Likely benign. Review status: criteria provided, single submitter. Criteria: ACMG Guidelines, 2015. Collection method: not provided. Allele origin: germline. Inheritance: Autosomal recessive inheritance. Affected: yes.